The following is an entry in ClinVar:

ClinVar aggregate classification (germline): Uncertain significance. Review status: criteria provided, multiple submitters, no conflicts (2 of 4 stars). 2 submissions from 2 submitters: Uncertain significance (2). Last evaluated 2026-06-30.

Conditions:
Meckel-Gruber syndrome. Also called: DYSENCEPHALIA SPLANCHNOCYSTICA; GRUBER SYNDROME; Dysencephalia splachnocystica. Identifiers: Orphanet 564, MedGen C0265215, MONDO:0018921.
Joubert syndrome. Also called: JOUBERT-BOLTSHAUSER SYNDROME; Familial aplasia of the vermis. Identifiers: Orphanet 475, MedGen C5979921, MONDO:0018772.

Submissions (2):

Women's Health and Genetics/Laboratory Corporation of America, LabCorp
Classification: Uncertain significance. Last evaluated: 2026-06-30. Review status: criteria provided, single submitter. Criteria: LabCorp Variant Classification Summary - May 2015. Collection method: clinical testing. Allele origin: germline.

Labcorp Genetics (formerly Invitae), Labcorp
Classification: Uncertain significance for Joubert syndrome; Meckel-Gruber syndrome. Last evaluated: 2022-06-13. Review status: criteria provided, single submitter. Criteria: Invitae Variant Classification Sherloc (09022015). Collection method: clinical testing. Allele origin: germline.
Comment: This sequence change falls in intron 21 of the TMEM67 gene. It does not directly change the encoded amino acid sequence of the TMEM67 protein. This variant is present in population databases (rs763949851, gnomAD 0.05%). This variant has not been reported in the literature in individuals affected with TMEM67-related conditions. Algorithms developed to predict the effect of sequence changes on RNA splicing suggest that this variant may disrupt the consensus splice site. In summary, the available evidence is currently insufficient to determine the role of this variant in disease. Therefore, it has been classified as a Variant of Uncertain Significance.

NM_153704.6(TMEM67):c.2241+5_2241+20dup16

Gene: TMEM67 (transmembrane protein 67; plus strand). Cytogenetic location: 8q22.1.
Variant type: Microsatellite.
Coding change: c.2241+5_2241+20dup16 on transcript NM_153704.6 (MANE Select); bases 5 to 20 of the intron after coding-DNA position 2241, 16 bases duplicated (GGAATTATACAGGTAA).
Genome position (GRCh38, 1-based): chr8:93,799,763-93,799,778, GGAATTATACAGGTAA duplicated; duplicating any 16 consecutive bases within chr8:93,799,747-93,799,778 gives the same sequence; the c. name uses the placement nearest the transcript's 3' end. VCF-style (leftmost placement, unchanged base first): chr8-93799746-T-TGGAATTATACAGGTAA. GRCh37 (hg19) VCF-style: chr8-94811974-T-TGGAATTATACAGGTAA.
Identifiers: ClinVar variation 2129215 (VCV002129215.2), ClinGen allele CA4808230.